The following is an entry in ClinVar:

ClinVar aggregate classification (germline): Conflicting classifications of pathogenicity. Review status: criteria provided, conflicting classifications (1 of 4 stars). 2 submissions from 2 submitters: Pathogenic (1); Uncertain significance (1). Last evaluated 2024-11-07.

Conditions:
PDE6B-related disorder. Also called: PDE6B-related disease; PDE6B-related condition; PDE6B-related disorders.

Allele frequency attached by ClinVar (database versions not stated): TOPMed 0.00001; ExAC 0.00002; gnomAD exomes 0.00002.
gnomAD v4.1: 10 of 1,613,538 alleles (0.00062%); highest among the groups gnomAD compares: South Asian, 0.0033%; no homozygotes.

Submissions (2):

Blueprint Genetics
Classification: Pathogenic for PDE6B-related disorders. Last evaluated: 2024-11-07. Review status: criteria provided, single submitter. Criteria: ACMG Guidelines, 2015. Collection method: clinical testing. Allele origin: germline. Affected: yes. Observed: 5 variant alleles.

Labcorp Genetics (formerly Invitae), Labcorp
Classification: Uncertain significance. Last evaluated: 2021-02-04. Review status: criteria provided, single submitter. Criteria: Invitae Variant Classification Sherloc (09022015). Collection method: clinical testing. Allele origin: germline.
Comment: In summary, the available evidence is currently insufficient to determine the role of this variant in disease. Therefore, it has been classified as a Variant of Uncertain Significance. Algorithms developed to predict the effect of missense changes on protein structure and function are either unavailable or do not agree on the potential impact of this missense change (SIFT: "Tolerated"; PolyPhen-2: "Probably Damaging"; Align-GVGD: "Class C0"). This variant has been observed in individual(s) with rod-cone dystrophy (PMID: 30998820). It has also been observed to segregate with disease in related individuals. ClinVar contains an entry for this variant (Variation ID: 866789). This variant is present in population databases (rs745856717, ExAC 0.01%). This sequence change replaces methionine with threonine at codon 796 of the PDE6B protein (p.Met796Thr). The methionine residue is highly conserved and there is a moderate physicochemical difference between methionine and threonine.

Literature cited by the submitters: PubMed 30998820 (cited by Labcorp Genetics (formerly Invitae), Labcorp).

NM_000283.4(PDE6B):c.2387T>C (p.Met796Thr)

Gene: PDE6B (phosphodiesterase 6B; plus strand). Cytogenetic location: 4p16.3.
Variant type: single nucleotide variant.
Coding change: c.2387T>C on transcript NM_000283.4 (MANE Select); coding-DNA position 2387, T replaced by C.
Protein change: p.Met796Thr; replaces methionine 796 with threonine.
Molecular consequence: missense variant.
Genome position (GRCh38, 1-based): chr4:667,890, T>C. VCF-style: chr4-667890-T-C. GRCh37 (hg19) VCF-style: chr4-661679-T-C.
Other names: c.2387T>C, p.Met796Thr (NM_001145291.2); c.1550T>C, p.Met517Thr (NM_001145292.2, NM_001350154.3, NM_001379246.1 and 1 more transcripts); c.1232T>C, p.Met411Thr (NM_001350155.3); short protein forms M517T, M796T, M411T.
Identifiers: ClinVar variation 866789 (VCV000866789.12), dbSNP rs745856717, ClinGen allele CA2795043.
Genomic context (GRCh38, chr4:667,890, plus strand): 5'-GGTGGTGACTTCTCGACTCCCCTCAGGAGTTCTCTCGTTTCCACGAAGAGATCCTGCCCA[T>C]GTTCGACCGACTGCAGAACAATAGGAAAGAGTGGAAGGCGCTGGCTGATGAGTATGAGGC-3'
Protein context (NP_000274.3, residues 786-806): FSRFHEEILP[Met796Thr]FDRLQNNRKE